The following is an entry in ClinVar:

NM_000755.5(CRAT):c.1464G>A (p.Thr488=)

Gene: CRAT (carnitine O-acetyltransferase; minus strand). Cytogenetic location: 9q34.11.
Variant type: single nucleotide variant.
Coding change: c.1464G>A on transcript NM_000755.5 (MANE Select); coding-DNA position 1464, G replaced by A.
Protein change: p.Thr488=; no amino-acid change (threonine 488 retained).
Molecular consequence: synonymous variant.
Genome position (GRCh38, 1-based): chr9:129,098,013, C>T on the plus strand (G>A on the coding strand, the complement: CRAT is on the minus strand). VCF-style: chr9-129098013-C-T. GRCh37 (hg19) VCF-style: chr9-131860292-C-T.
Other names: c.1401G>A, p.Thr467= (NM_001257363.3, NM_001346548.2, NM_004003.4); c.1467G>A, p.Thr489= (NM_001346546.2); c.1464G>A, p.Thr488= (NM_001346547.2); c.1344G>A, p.Thr448= (NM_001346549.2); c.1464G>A (NM_000755.4).
Identifiers: ClinVar variation 1638101 (VCV001638101.11), dbSNP rs149498107, ClinGen allele CA5275372.
Genomic context (GRCh38, chr9:129,098,013, plus strand): 5'-GAGTGAGCAGGAGGGAGGGGCTCAGGCCCAGCTCACCCACCCTCGCCCCAGACCTCTCAC[C>T]GTGACGCTGGAGTCATCCATGGCCTTGACAAAGGTGAGTGAGTCCATGGAAGCCGAGCGG-3'
Protein context (NP_000746.3, residues 478-498): FVKAMDDSSV[Thr488=]EHQKVELLRK

ClinVar aggregate classification (germline): Likely benign. Review status: criteria provided, multiple submitters, no conflicts (2 of 4 stars). 3 submissions from 3 submitters: Likely benign (3). Last evaluated 2026-08-26.

Conditions:
CRAT-related disorder. Also called: CRAT-related condition.

Allele frequency attached by ClinVar (database versions not stated): ESP Exome Variant Server 0.00015; gnomAD 0.00033 and 0.00037; TOPMed 0.00043; ExAC 0.00055; gnomAD exomes 0.00063; 1000 Genomes Project 30x 0.00078; 1000 Genomes Project 0.00080.
gnomAD v4.1: 401 of 1,613,222 alleles (0.025%); highest among the groups gnomAD compares: Admixed American, 0.26%; 1 homozygote.

Submissions (6):

PreventionGenetics, part of Exact Sciences
Classification: Likely benign for CRAT-related condition. Last evaluated: 2026-08-26. Review status: criteria provided, single submitter. Criteria: ACMG Guidelines, 2015. Collection method: clinical testing. Allele origin: germline.
Comment: This variant is classified as likely benign based on ACMG/AMP sequence variant interpretation guidelines (Richards et al. 2015 PMID: 25741868, with internal and published modifications).

Labcorp Genetics (formerly Invitae), Labcorp
Classification: Likely benign. Last evaluated: 2025-12-31. Review status: criteria provided, single submitter. Criteria: Invitae Variant Classification Sherloc (09022015). Collection method: clinical testing. Allele origin: germline.

Breakthrough Genomics
Classification: Likely benign. Review status: criteria provided, single submitter. Criteria: ACMG Guidelines, 2015. Collection method: not provided. Allele origin: germline. Inheritance: Autosomal recessive inheritance. Affected: yes.

Dr. Peter K. Rogan Lab, Western University
No classification provided (evidence only). Condition: Cervical cancer. Review status: no classification provided. Collection method: in vitro. Allele origin: not applicable. Functional consequence: retained intron. Not counted in ClinVar's aggregate classification.

Dr. Peter K. Rogan Lab, Western University
No classification provided (evidence only). Condition: Sarcoma. Review status: no classification provided. Collection method: in vitro. Allele origin: not applicable. Functional consequence: retained intron. Not counted in ClinVar's aggregate classification.

Dr. Peter K. Rogan Lab, Western University
No classification provided (evidence only). Condition: Gastric cancer. Review status: no classification provided. Collection method: in vitro. Allele origin: not applicable. Functional consequence: retained intron. Not counted in ClinVar's aggregate classification.